The following is an entry in ClinVar:

NM_001318895.3(FHL2):c.11G>T (p.Arg4Leu)

Gene: FHL2 (four and a half LIM domains 2; minus strand). Cytogenetic location: 2q12.2.
Variant type: single nucleotide variant.
Coding change: c.11G>T on transcript NM_001318895.3 (MANE Select); coding-DNA position 11, G replaced by T.
Protein change: p.Arg4Leu; replaces arginine 4 with leucine.
Molecular consequence: missense variant. On other transcripts: 5 prime UTR variant (3).
Genome position (GRCh38, 1-based): chr2:105,386,506, C>A on the plus strand (G>T on the coding strand, the complement: FHL2 is on the minus strand). VCF-style: chr2-105386506-C-A. GRCh37 (hg19) VCF-style: chr2-106002963-C-A.
Other names: c.11G>T, p.Arg4Leu (NM_001039492.3, NM_001318894.1, NM_001318896.2 and 4 more transcripts); c.-157G>T (NM_001318897.2, NM_001318898.2); c.-436G>T (NM_001318899.2); short protein forms R4L.
Identifiers: ClinVar variation 4762574 (VCV004762574.1).

ClinVar aggregate classification (germline): Uncertain significance (1 of 4 stars; one submission).

Conditions:
Primary dilated cardiomyopathy (DCM). Also called: Dilated Cardiomyopathy. Identifiers: Orphanet 217604, MedGen C0007193, MeSH D002311, MONDO:0005021, HP:0001644. Inheritance: Various modes of inheritance.

gnomAD v4.1: 1 of 1,614,134 alleles (0.000062%); highest among the groups gnomAD compares: Admixed American, 0.0017%; no homozygotes.

Submission:

Labcorp Genetics (formerly Invitae), Labcorp
Classification: Uncertain significance for Primary dilated cardiomyopathy. Last evaluated: 2025-10-01. Review status: criteria provided, single submitter. Criteria: Invitae Variant Classification Sherloc (09022015). Collection method: clinical testing. Allele origin: germline.
Comment: This sequence change replaces arginine, which is basic and polar, with leucine, which is neutral and non-polar, at codon 4 of the FHL2 protein (p.Arg4Leu). This variant is not present in population databases (gnomAD no frequency). This variant has not been reported in the literature in individuals affected with FHL2-related conditions. An algorithm developed to predict the effect of missense changes on protein structure and function (PolyPhen-2) suggests that this variant is likely to be disruptive. In summary, the available evidence is currently insufficient to determine the role of this variant in disease. Therefore, it has been classified as a Variant of Uncertain Significance.